The following is an entry in ClinVar:

NM_024675.4(PALB2):c.2824A>T (p.Arg942Ter)

Gene: PALB2 (partner and localizer of BRCA2; minus strand). Cytogenetic location: 16p12.2.
Variant type: single nucleotide variant.
Coding change: c.2824A>T on transcript NM_024675.4 (MANE Select); coding-DNA position 2824, A replaced by T.
Protein change: p.Arg942Ter; replaces arginine 942 with a stop codon.
Molecular consequence: nonsense.
Genome position (GRCh38, 1-based): chr16:23,624,019, T>A on the plus strand (A>T on the coding strand, the complement: PALB2 is on the minus strand). VCF-style: chr16-23624019-T-A. GRCh37 (hg19) VCF-style: chr16-23635340-T-A.
Other names: short protein forms R942*.
Identifiers: ClinVar variation 821860 (VCV000821860.4), dbSNP rs757055720, ClinGen allele CA395144821.

ClinVar aggregate classification (germline): Pathogenic (1 of 4 stars; one submission).

Conditions:
Hereditary cancer-predisposing syndrome. Also called: Tumor predisposition; Hereditary Cancer Syndrome; Neoplastic Syndromes, Hereditary; Hereditary neoplastic syndrome. Identifiers: Orphanet 140162, MedGen C0027672, MeSH D009386, MONDO:0015356.

Submission:

Ambry Genetics
Classification: Pathogenic for Hereditary cancer-predisposing syndrome. Last evaluated: 2018-07-31. Review status: criteria provided, single submitter. Criteria: Ambry Variant Classification Scheme 2023. Collection method: clinical testing. Allele origin: germline.
Comment: The p.R942* pathogenic mutation (also known as c.2824A>T), located in coding exon 8 of the PALB2 gene, results from an A to T substitution at nucleotide position 2824. This changes the amino acid from an arginine to a stop codon within coding exon 8. This alteration is expected to result in loss of function by premature protein truncation or nonsense-mediated mRNA decay. As such, this alteration is interpreted as a disease-causing mutation.